The following is an entry in ClinVar:

NM_058216.3(RAD51C):c.57G>A (p.Leu19=)

Gene: RAD51C (RAD51 paralog C; plus strand). Cytogenetic location: 17q22.
Variant type: single nucleotide variant.
Coding change: c.57G>A on transcript NM_058216.3 (MANE Select); coding-DNA position 57, G replaced by A.
Protein change: p.Leu19=; no amino-acid change (leucine 19 retained).
Molecular consequence: synonymous variant. On other transcripts: non-coding transcript variant (1).
Genome position (GRCh38, 1-based): chr17:58,692,700, G>A. VCF-style: chr17-58692700-G-A. GRCh37 (hg19) VCF-style: chr17-56770061-G-A.
Other names: c.57G>A, p.Leu19= (NM_002876.4).
Identifiers: ClinVar variation 3903828 (VCV003903828.1).

ClinVar aggregate classification (germline): Benign (1 of 4 stars; one submission).

Conditions:
Breast-ovarian cancer, familial, susceptibility to, 3. Also called: RAD51C-Related Breast/Ovarian Cancer. Identifiers: Orphanet 145, MedGen C3150659, MONDO:0013253, OMIM 613399.

Submission:

Myriad Genetics, Inc.
Classification: Benign for Breast-ovarian cancer, familial, susceptibility to, 3. Last evaluated: 2025-02-14. Review status: criteria provided, single submitter. Criteria: Myriad Autosomal Dominant, Autosomal Recessive and X-Linked Classification Criteria (2023). Collection method: clinical testing. Allele origin: unknown.
Comment: This variant is considered benign. This variant is a silent/synonymous amino acid change and it is not expected to impact splicing.